The following is an entry in ClinVar:

ClinVar aggregate classification (germline): Conflicting classifications of pathogenicity. Review status: criteria provided, conflicting classifications (1 of 4 stars). 12 submissions from 12 submitters: Pathogenic (2); Likely pathogenic (5); Uncertain significance (5). Last evaluated 2025-12-24.

Conditions:
CFTR-related disorder (CFTR-RD). Also called: CFTR-related condition; CFTR-related disorders. Identifiers: MedGen C5924204, MONDO:7770004.
Bronchiectasis with or without elevated sweat chloride 1 (BESC1). Also called: Cystic Fibrosis-Like Syndrome. Identifiers: Orphanet 60033, MedGen C2749757, MONDO:0008887, OMIM 211400.
Congenital bilateral aplasia of vas deferens from CFTR mutation (CBAVD). Identifiers: Orphanet 48, MedGen C0403814, MONDO:0010178, OMIM 277180. Disease mechanism: loss of function.
Cystic fibrosis (CF). Also called: MUCOVISCIDOSIS. Identifiers: Orphanet 586, MedGen C0010674, MONDO:0009061, OMIM 219700. Disease mechanism: loss of function.
Hereditary pancreatitis (PCTT). Also called: PRSS1-Related Hereditary Pancreatitis; Hereditary chronic pancreatitis. Identifiers: Orphanet 676, MedGen C0238339, MONDO:0008185, OMIM 167800.

Allele frequency attached by ClinVar (database versions not stated): gnomAD exomes 0.00001 and below 0.00001; gnomAD 0.00001; TOPMed 0.00001.
gnomAD v4.1: 10 of 1,613,926 alleles (0.00062%); highest among the groups gnomAD compares: Non-Finnish European, 0.00076%; no homozygotes.

Submissions (12):

Women's Health and Genetics/Laboratory Corporation of America, LabCorp
Classification: Likely pathogenic for Congenital bilateral aplasia of vas deferens from CFTR mutation. Last evaluated: 2025-12-24. Review status: criteria provided, single submitter. Criteria: LabCorp Variant Classification Summary - May 2015. Collection method: clinical testing. Allele origin: germline.
Comment: Variant summary: CFTR c.581G>T (p.Gly194Val) results in a non-conservative amino acid change located in the ABC transporter type 1, transmembrane domain (IPR011527) of the encoded protein sequence. Algorithms developed to predict the effect of missense changes on protein structure and function all suggest that this variant is likely to be disruptive. Several computational tools predict a significant impact on normal splicing: Three predict the variant creates a 5' donor site. However, these predictions have yet to be confirmed by functional studies. The variant allele was found at a frequency of 4e-06 in 251416 control chromosomes. c.581G>T has been reported in the literature in individuals affected with Congenital Bilateral Absence Of The Vas Deferens/infertility and nonobstructive azoospermia/pancreatitis (example, Goossens_2000, Steiner_2011, Akinsal_2018, Rudnik-Schoneborn_2021, Liu_2023, Angyal_2024). These data indicate that the variant may be associated with disease. At least one publication reports experimental evidence evaluating an impact on protein function. The most pronounced variant effect resulted in approximately 14.2% of normal chloride channel conductance relative to wild type (e.g., Bihler_2024). The following publications have been ascertained in the context of this evaluation (PMID: 29484681, 38388235, 10913957, 33085659, 17003641, 36259570, 34782259, 33374015, 34583889, 21520337, 38493004). ClinVar contains an entry for this variant (Variation ID: 54016). Based on the evidence outlined above, the variant was classified as likely pathogenic.

Natera, Inc.
Classification: Likely pathogenic for CFTR-related disorders. Last evaluated: 2025-11-12. Review status: criteria provided, single submitter. Criteria: Natera Variant Classification Schema (03/2026). Collection method: clinical testing. Allele origin: germline.
Comment: The c.581G>T variant in CFTR is a missense variant predicted to cause substitution of glycine to valine at amino acid 194. This variant is rare in the general population with a frequency below the threshold expected for the associated phenotype(s). This variant has been observed in one or more individuals affected with the associated recessive disease, as either homozygous or compound heterozygous with a second variant (PMID: 26585435). A different variant at the same position has been determined to be Pathogenic or Likely Pathogenic. Computational prediction algorithms indicate this variant is likely to affect gene or protein function. Given the available evidence, this variant is classified as Likely Pathogenic.

ARUP Laboratories, Molecular Genetics and Genomics, ARUP Laboratories
Classification: Likely pathogenic for Cystic fibrosis; Bronchiectasis with or without elevated sweat chloride 1; Hereditary pancreatitis; Congenital bilateral aplasia of vas deferens from CFTR mutation. Last evaluated: 2025-01-16. Review status: criteria provided, single submitter. Criteria: ARUP Molecular Germline Variant Investigation Process 2024. Collection method: clinical testing. Allele origin: germline.
Comment: The CFTR c.581G>T; p.Gly194Val variant (rs397508763, ClinVar Variation ID: 54016) has been reported in individuals with cystic fibrosis (CF) either with or without pancreatic insufficiency (CFTR2 database , Bihler 2024, Rychokova 2017). This variant is detected in compound heterozygous individuals with CBAVD and in individuals with unobstructed azoospermia (Rudnik-Schoneborn 2021, Steiner 2011). This variant is only observed on one allele in the Genome Aggregation Database (v2.1.1), indicating it is not a common polymorphism. Computational analyses predict that this variant is deleterious (REVEL: 0.702). Based on available information, this variant is considered to be likely pathogenic with varying clinical consequences. References: CFTR2 database: Bihler H et al. In vitro modulator responsiveness of 655 CFTR variants found in people with cystic fibrosis. J Cyst Fibros. 2024 Jul;23(4):664-675. doi: 10.1016/j.jcf.2024.02.006. Epub 2024 Feb 22. PMID: 38388235. Rudnik-Schoneborn S et al. Andrological findings in infertile men with two (biallelic) CFTR mutations: results of a multicentre study in Germany and Austria comprising 71 patients. Hum Reprod. 2021 Feb 18;36(3):551-559. PMID: 33374015. Rychkova A et al. Developing gene-specific meta-predictor of variant pathogenicity. bioRxiv. 2017 Mar 10; doi: DOI 10.1101/115956. Steiner B et al. Common CFTR haplotypes and susceptibility to chronic pancreatitis and congenital bilateral absence of the vas deferens. Hum Mutat. 2011 Aug;32(8):912-20. PMID: 21520337.

Baylor Genetics
Classification: Likely pathogenic for Bronchiectasis with or without elevated sweat chloride 1. Last evaluated: 2024-03-10. Review status: criteria provided, single submitter. Criteria: ACMG Guidelines, 2015. Collection method: clinical testing. Allele origin: unknown.

Ambry Genetics
Classification: Uncertain significance for Cystic fibrosis. Last evaluated: 2023-04-18. Review status: criteria provided, single submitter. Criteria: Ambry Variant Classification Scheme 2023. Collection method: clinical testing. Allele origin: germline.
Comment: The p.G194V variant (also known as c.581G>T), located in coding exon 6 of the CFTR gene, results from a G to T substitution at nucleotide position 581. The glycine at codon 194 is replaced by valine, an amino acid with dissimilar properties. This variant was described in two individuals with congenital bilateral absence of vas deferens in conjunction with a second CFTR variant, who also had an intronic alteration in CFTR (Steiner B et al. Hum. Mutat., 2011 Aug;32:912-20; Akinsal EC et al. Andrologia, 2018 Feb;doi: 10.1111/and.12994; Rudnik-Sch&ouml;neborn S et al. Hum Reprod, 2021 Feb;36:551-559). The p.G194V variant has been reported as a variant of varying clinical consequences (VVCC) (Sosnay PR et al. Pediatr. Clin. North Am., 2016 08;63:585-98; The Clinical and Functional TRanslation of CFTR (CFTR2); available at CFTR2. Accessed January 15, 2020). This variant is considered to be rare based on population cohorts in the Genome Aggregation Database (gnomAD). This amino acid position is highly conserved in available vertebrate species. In addition, this alteration is predicted to be deleterious by in silico analysis. Based on available evidence to date, the clinical significance of this alteration remains unclear.

Institute of Human Genetics, University of Leipzig Medical Center
Classification: Uncertain significance for Cystic fibrosis. Last evaluated: 2022-09-05. Review status: criteria provided, single submitter. Criteria: ACMG Guidelines, 2015. Collection method: curation. Allele origin: unknown. Affected: yes. Observed: 1 variant allele.
Comment: The variant was classified in the context of a project re-classifying variants in the German Cystic Fibrosis Registry (Muko.e.V.). Criteria applied: PM2_SUP, PM3, PP3

Labcorp Genetics (formerly Invitae), Labcorp
Classification: Uncertain significance for Cystic fibrosis. Last evaluated: 2021-11-01. Review status: criteria provided, single submitter. Criteria: Invitae Variant Classification Sherloc (09022015). Collection method: clinical testing. Allele origin: germline.
Comment: This sequence change replaces glycine, which is neutral and non-polar, with valine, which is neutral and non-polar, at codon 194 of the CFTR protein (p.Gly194Val). This variant is present in population databases (rs397508763, gnomAD no frequency). This missense change has been observed in individuals with congenital bilateral absence of the vas deferens (PMID: 21520337, 29484681). ClinVar contains an entry for this variant (Variation ID: 54016). Algorithms developed to predict the effect of missense changes on protein structure and function (SIFT, PolyPhen-2, Align-GVGD) all suggest that this variant is likely to be tolerated. Algorithms developed to predict the effect of sequence changes on RNA splicing suggest that this variant may create or strengthen a splice site. In summary, the available evidence is currently insufficient to determine the role of this variant in disease. Therefore, it has been classified as a Variant of Uncertain Significance.

Genome-Nilou Lab
Classification: Likely pathogenic for Cystic fibrosis. Last evaluated: 2021-07-22. Review status: criteria provided, single submitter. Criteria: ACMG Guidelines, 2015. Collection method: clinical testing. Allele origin: germline. Affected: no.

Johns Hopkins Genomics, Johns Hopkins University
Classification: Pathogenic for Cystic fibrosis. Last evaluated: 2020-03-09. Review status: criteria provided, single submitter. Criteria: ACMG Guidelines, 2015. Collection method: clinical testing. Allele origin: germline.
Comment: CFTR variant associated with varying clinical consequence. See CFTR2 for phenotype information.

Mayo Clinic Laboratories, Mayo Clinic
Classification: Uncertain significance. Last evaluated: 2020-02-28. Review status: criteria provided, single submitter. Criteria: ACMG Guidelines, 2015. Collection method: clinical testing. Allele origin: germline. Observed: 1 variant allele.

CFTR-France
Classification: Pathogenic for CFTR-related disorders. Last evaluated: 2018-01-29. Review status: criteria provided, single submitter. Criteria: Claustres M et al. (Hum Mutat 2017). Collection method: curation. Allele origin: germline. Affected: yes.

Eurofins Ntd Llc (ga)
Classification: Uncertain significance. Last evaluated: 2017-11-07. Review status: criteria provided, single submitter. Criteria: EGL Classification Definitions 2015. Collection method: clinical testing. Allele origin: germline. Observed: 1 variant allele, 1 heterozygote.

Literature cited by the submitters: PubMed 17003641 (cited by Women's Health and Genetics/Laboratory Corporation of America, LabCorp); PubMed 21520337 (cited by 3 submitters); PubMed 10913957 (cited by Women's Health and Genetics/Laboratory Corporation of America, LabCorp); PubMed 29484681 (cited by 3 submitters); PubMed 33374015 (cited by Women's Health and Genetics/Laboratory Corporation of America, LabCorp and Ambry Genetics); PubMed 33085659 (cited by Women's Health and Genetics/Laboratory Corporation of America, LabCorp); PubMed 34583889 (cited by Women's Health and Genetics/Laboratory Corporation of America, LabCorp); PubMed 34782259 (cited by Women's Health and Genetics/Laboratory Corporation of America, LabCorp); PubMed 36259570 (cited by Women's Health and Genetics/Laboratory Corporation of America, LabCorp); PubMed 38388235 (cited by Women's Health and Genetics/Laboratory Corporation of America, LabCorp); PubMed 38493004 (cited by Women's Health and Genetics/Laboratory Corporation of America, LabCorp); PubMed 26585435 (cited by Natera, Inc.).

NM_000492.4(CFTR):c.581G>T (p.Gly194Val)

Gene: CFTR (CF transmembrane conductance regulator; plus strand). Cytogenetic location: 7q31.2.
Variant type: single nucleotide variant.
Coding change: c.581G>T on transcript NM_000492.4 (MANE Select); coding-DNA position 581, G replaced by T.
Protein change: p.Gly194Val; replaces glycine 194 with valine.
Molecular consequence: missense variant.
Genome position (GRCh38, 1-based): chr7:117,535,249, G>T. VCF-style: chr7-117535249-G-T. GRCh37 (hg19) VCF-style: chr7-117175303-G-T.
Other names: short protein forms G194V.
Identifiers: ClinVar variation 54016 (VCV000054016.36), dbSNP rs397508763, ClinGen allele CA327585.